The following is an entry in ClinVar:

NM_014159.7(SETD2):c.6455A>G (p.Tyr2152Cys)

Gene: SETD2 (SET domain containing 2, histone lysine methyltransferase; minus strand). Cytogenetic location: 3p21.31.
Variant type: single nucleotide variant.
Coding change: c.6455A>G on transcript NM_014159.7 (MANE Select); coding-DNA position 6455, A replaced by G.
Protein change: p.Tyr2152Cys; replaces tyrosine 2152 with cysteine.
Molecular consequence: missense variant. On other transcripts: non-coding transcript variant (1).
Genome position (GRCh38, 1-based): chr3:47,057,329, T>C on the plus strand (A>G on the coding strand, the complement: SETD2 is on the minus strand). VCF-style: chr3-47057329-T-C. GRCh37 (hg19) VCF-style: chr3-47098819-T-C.
Other names: c.6323A>G, p.Tyr2108Cys (NM_001349370.3); short protein forms Y2152C, Y2108C.
Identifiers: ClinVar variation 475532 (VCV000475532.44), dbSNP rs139628048, ClinGen allele CA2362703.

ClinVar aggregate classification (germline): Benign/Likely benign. Review status: criteria provided, multiple submitters, no conflicts (2 of 4 stars). 4 submissions from 4 submitters: Benign (2); Likely benign (2). Last evaluated 2026-02-01.

Conditions:
Genetic developmental and epileptic encephalopathy. Identifiers: MedGen CN379639, MONDO:0100062.
Luscan-Lumish syndrome. Identifiers: Orphanet 597738, MedGen C4085873, MONDO:0014791, OMIM 616831.
Inborn genetic diseases. Identifiers: MedGen C0950123, MeSH D030342.

Allele frequency attached by ClinVar (database versions not stated): ExAC 0.00009; gnomAD exomes 0.00014; ESP Exome Variant Server 0.00023; gnomAD 0.00023 and 0.00024; TOPMed 0.00023.

Submissions (4):

CeGaT Center for Human Genetics Tuebingen
Classification: Likely benign. Last evaluated: 2026-02-01. Review status: criteria provided, single submitter. Criteria: CeGaT Center For Human Genetics Tuebingen Variant Classification Criteria Version 2. Collection method: clinical testing. Allele origin: germline. Affected: yes. Observed: 3 variant alleles.
Comment: SETD2: BS2

Labcorp Genetics (formerly Invitae), Labcorp
Classification: Benign for Luscan-Lumish syndrome. Last evaluated: 2025-04-22. Review status: criteria provided, single submitter. Criteria: Invitae Variant Classification Sherloc (09022015). Collection method: clinical testing. Allele origin: germline.

Ambry Genetics
Classification: Likely benign for Inborn genetic diseases. Last evaluated: 2021-09-01. Review status: criteria provided, single submitter. Criteria: Ambry Variant Classification Scheme 2023. Collection method: clinical testing. Allele origin: germline.

Cambridge Genomics Laboratory, East Genomic Laboratory Hub, NHS Genomic Medicine Service
Classification: Benign for Genetic developmental and epileptic encephalopathy. Last evaluated: 2019-11-08. Review status: criteria provided, single submitter. Criteria: ACGS Best Practice Guidelines for Variant Classification in Rare Disease 2020. Collection method: clinical testing. Allele origin: germline. Affected: yes. Observed: 1 variant allele.